The following is an entry in ClinVar:

ClinVar aggregate classification (germline): Pathogenic/Likely pathogenic. Review status: criteria provided, multiple submitters, no conflicts (2 of 4 stars). 8 submissions from 8 submitters: Pathogenic (4); Likely pathogenic (1). 3 of the submissions do not count toward it. Last evaluated 2025-03-18.

Conditions:
JAG1-related disorder. Also called: JAG1-related condition; JAG1-related disorders.
Arteriohepatic dysplasia. Also called: Alagille Syndrome. Identifiers: Orphanet 52, MedGen C0085280, MeSH D016738, MONDO:0007318.
Alagille syndrome due to a JAG1 point mutation. Also called: Alagille Syndrome 1; HEPATIC DUCTULAR HYPOPLASIA, SYNDROMATIC; JAG1-Related Alagille Syndrome. Identifiers: Orphanet 261619, Orphanet 52, MedGen C1956125, MONDO:0016862, OMIM 118450.

Submissions (8):

Labcorp Genetics (formerly Invitae), Labcorp
Classification: Pathogenic for Alagille syndrome due to a JAG1 point mutation. Last evaluated: 2025-03-18. Review status: criteria provided, single submitter. Criteria: Invitae Variant Classification Sherloc (09022015). Collection method: clinical testing. Allele origin: germline.
Comment: This sequence change replaces glycine, which is neutral and non-polar, with arginine, which is basic and polar, at codon 386 of the JAG1 protein (p.Gly386Arg). This variant is not present in population databases (gnomAD no frequency). This missense change has been observed in individual(s) with Alagille syndrome (PMID: 11058898, 22405927, 22488849, 24748328, 26076142). In at least one individual the variant was observed to be de novo. ClinVar contains an entry for this variant (Variation ID: 213531). Invitae Evidence Modeling of protein sequence and biophysical properties (such as structural, functional, and spatial information, amino acid conservation, physicochemical variation, residue mobility, and thermodynamic stability) has been performed for this missense variant. However, the output from this modeling did not meet the statistical confidence thresholds required to predict the impact of this variant on JAG1 protein function. Experimental studies have shown that this missense change does not substantially affect JAG1 function (PMID: 22487239). Algorithms developed to predict the effect of sequence changes on RNA splicing suggest that this variant may disrupt the consensus splice site. For these reasons, this variant has been classified as Pathogenic.

PreventionGenetics, part of Exact Sciences
Classification: Pathogenic for JAG1-related condition. Last evaluated: 2025-01-15. Review status: criteria provided, single submitter. Criteria: ACMG Guidelines, 2015. Collection method: clinical testing. Allele origin: germline.
Comment: The JAG1 c.1156G>A variant is predicted to result in the amino acid substitution p.Gly386Arg. This variant has been reported in individuals with Alagille syndrome (Heritage et al. 2000. PubMed ID: 11058898; Jurkiewicz et al. 2014. PubMed ID: 24748328; Li et al. 2015. PubMed ID: 26076142; Liu et al. 2018. PubMed ID: 30074189). This variant has not been reported in a large population database, indicating this variant is rare. This variant is interpreted as pathogenic.

Institute of Medical Genetics, University of Zurich
Classification: Pathogenic for Alagille syndrome due to a JAG1 point mutation. Last evaluated: 2022-05-13. Review status: criteria provided, single submitter. Criteria: ACMG Guidelines, 2015. Collection method: clinical testing. Allele origin: unknown. Affected: yes.

Blueprint Genetics
Classification: Pathogenic for JAG1-related disorders. Last evaluated: 2021-09-02. Review status: criteria provided, single submitter. Criteria: ACMG Guidelines, 2015. Collection method: clinical testing. Allele origin: germline. Affected: yes. Observed: 2 variant alleles.

Neuberg Centre For Genomic Medicine, NCGM
Classification: Likely pathogenic for Alagille syndrome due to a JAG1 point mutation. Review status: criteria provided, single submitter. Criteria: ACMG Guidelines, 2015. Collection method: clinical testing. Allele origin: germline. Inheritance: Autosomal dominant inheritance. Affected: yes.
Comment: The missense variant c.1156G>A (p.Gly386Arg) in JAG1 gene has been reported in heterozygous state to be de novo in several individuals affected with Alagille syndrome (Lin HC et al.). Experimental studies have shown that this missense change has no impact on protein processing, subcellular localization or protein transactivation in vitro (Tada M et al.). The p.Gly386Arg variant is novel (not in any individuals) in gnomAD Exomes and 1000 Genomes. It has been submitted to ClinVar with varying interpretations: Pathogenic/ Likely Pathogenic. This sequence change replaces glycine with arginine at codon 386 of the JAG1 protein (p.Gly386Arg). The glycine residue is highly conserved and there is a moderate physicochemical difference between glycine and arginine. The amino acid change p.Gly386Arg in JAG1 is predicted as conserved by GERP++ and PhyloP across 100 vertebrates. For these reasons, this variant has been classified as Likely Pathogenic.

Gharavi Laboratory, Columbia University
Classification: Likely pathogenic for Alagille syndrome. Last evaluated: 2024-11-05. Review status: no assertion criteria provided. Criteria: ACMG Guidelines, 2015. Collection method: case-control. Allele origin: germline. Affected: yes. Not counted in ClinVar's aggregate classification.

Clinical Genetics DNA and cytogenetics Diagnostics Lab, Erasmus MC, Erasmus Medical Center
Classification: Pathogenic. Review status: no assertion criteria provided. Collection method: clinical testing. Allele origin: germline. Affected: yes. Study: VKGL Data-share Consensus. Not counted in ClinVar's aggregate classification.

Diagnostic Laboratory, Department of Genetics, University Medical Center Groningen
Classification: Likely pathogenic. Review status: no assertion criteria provided. Collection method: clinical testing. Allele origin: germline. Affected: yes. Study: VKGL Data-share Consensus. Not counted in ClinVar's aggregate classification.

Literature cited by the submitters: PubMed 11058898 (cited by Labcorp Genetics (formerly Invitae), Labcorp); PubMed 22405927 (cited by Labcorp Genetics (formerly Invitae), Labcorp); PubMed 22488849 (cited by Labcorp Genetics (formerly Invitae), Labcorp); PubMed 24748328 (cited by Labcorp Genetics (formerly Invitae), Labcorp); PubMed 26076142 (cited by Labcorp Genetics (formerly Invitae), Labcorp); PubMed 22487239 (cited by Labcorp Genetics (formerly Invitae), Labcorp).

NM_000214.3(JAG1):c.1156G>A (p.Gly386Arg)

Gene: JAG1 (jagged canonical Notch ligand 1; minus strand). Cytogenetic location: 20p12.2.
Variant type: single nucleotide variant.
Coding change: c.1156G>A on transcript NM_000214.3 (MANE Select); coding-DNA position 1156, G replaced by A.
Protein change: p.Gly386Arg; replaces glycine 386 with arginine.
Molecular consequence: missense variant.
Genome position (GRCh38, 1-based): chr20:10,650,325, C>T on the plus strand (G>A on the coding strand, the complement: JAG1 is on the minus strand). VCF-style: chr20-10650325-C-T. GRCh37 (hg19) VCF-style: chr20-10630973-C-T.
Other names: c.1156G>A, p.Gly386Arg (LRG_1191t1); short protein forms G386R.
Identifiers: ClinVar variation 213531 (VCV000213531.40), dbSNP rs863223650, ClinGen allele CA324344.
Genomic context (GRCh38, chr20:10,650,325, plus strand): 5'-CAGTCCACTGTGGGGGGCACACACACTTAAATCCGTTAACCAGGTCCTGGCAGGTGCCCC[C>T]GTGGGAACAGTTATTAGGAGAACAGTCATCAATGTCTGGTCAACAAGAAAAGGAGGGGGT-3'
Protein context (NP_000205.1, residues 376-396): DDCSPNNCSH[Gly386Arg]GTCQDLVNGF